The following is an entry in ClinVar:

NM_001369.3(DNAH5):c.10051C>T (p.Gln3351Ter)

Gene: DNAH5 (dynein axonemal heavy chain 5; minus strand). Cytogenetic location: 5p15.2.
Variant type: single nucleotide variant.
Coding change: c.10051C>T on transcript NM_001369.3 (MANE Select); coding-DNA position 10051, C replaced by T.
Protein change: p.Gln3351Ter; replaces glutamine 3351 with a stop codon.
Molecular consequence: nonsense.
Genome position (GRCh38, 1-based): chr5:13,766,026, G>A on the plus strand (C>T on the coding strand, the complement: DNAH5 is on the minus strand). VCF-style: chr5-13766026-G-A. GRCh37 (hg19) VCF-style: chr5-13766135-G-A.
Other names: short protein forms Q3351*.
Identifiers: ClinVar variation 1409064 (VCV001409064.7), dbSNP rs770720791, ClinGen allele CA359199723.

ClinVar aggregate classification (germline): Pathogenic. Review status: criteria provided, multiple submitters, no conflicts (2 of 4 stars). 2 submissions from 2 submitters: Pathogenic (2). Last evaluated 2021-04-07.

Conditions:
Primary ciliary dyskinesia. Also called: Ciliary dyskinesia. Identifiers: Orphanet 244, MedGen C0008780, MONDO:0016575, HP:0012265.

gnomAD v4.1: 2 of 1,614,198 alleles (0.00012%); highest among the groups gnomAD compares: Non-Finnish European, 0.00017%; no homozygotes.

Submissions (2):

Labcorp Genetics (formerly Invitae), Labcorp
Classification: Pathogenic for Primary ciliary dyskinesia. Last evaluated: 2021-04-07. Review status: criteria provided, single submitter. Criteria: Invitae Variant Classification Sherloc (09022015). Collection method: clinical testing. Allele origin: germline.
Comment: For these reasons, this variant has been classified as Pathogenic. Algorithms developed to predict the effect of sequence changes on RNA splicing suggest that this variant may create or strengthen a splice site, but this prediction has not been confirmed by published transcriptional studies. This variant has not been reported in the literature in individuals with DNAH5-related conditions. This variant is not present in population databases (ExAC no frequency). This sequence change creates a premature translational stop signal (p.Gln3351*) in the DNAH5 gene. It is expected to result in an absent or disrupted protein product. Loss-of-function variants in DNAH5 are known to be pathogenic (PMID: 11788826, 16627867).

Cambridge Genomics Laboratory, East Genomic Laboratory Hub, NHS Genomic Medicine Service
Classification: Pathogenic for Primary ciliary dyskinesia. Last evaluated: 2020-01-21. Review status: criteria provided, single submitter. Criteria: ACGS Best Practice Guidelines for Variant Classification in Rare Disease 2020. Collection method: clinical testing. Allele origin: germline. Affected: yes. Observed: 1 variant allele.

Literature cited by the submitters: PubMed 11788826 (cited by Labcorp Genetics (formerly Invitae), Labcorp); PubMed 16627867 (cited by Labcorp Genetics (formerly Invitae), Labcorp).